The following is an entry in ClinVar:

GRCh38/hg38 1q43-44(chr1:243433667-243744233)x1

Genes: AKT3 (AKT serine/threonine kinase 3; minus strand), SDCCAG8 (SHH signaling and ciliogenesis regulator SDCCAG8; plus strand), LOC110120698 (VISTA enhancer hs545; plus strand), LOC122152352 (Sharpr-MPRA regulatory region 5448; plus strand), LOC122152353 (Sharpr-MPRA regulatory region 1428; plus strand) and 1 more. Cytogenetic location: 1q43-44.
Variant type: copy number loss.
Change: copy number 1 (one copy instead of two) of chr1:243,433,667-243,744,233 (310.6 kb, GRCh38 coordinates, 1-based), cytogenetic band 1q43-44.
Identifiers: ClinVar variation 4755343 (VCV004755343.1).

ClinVar aggregate classification (germline): Uncertain significance (1 of 4 stars; one submission).

Submission:

Clinical Genomics Laboratory, Laboratory for Precision Diagnostics, University of Washington
Classification: Uncertain significance. Last evaluated: 2021-05-14. Review status: criteria provided, single submitter. Criteria: ACMG/ClinGen CNV Guidelines, 2019. Collection method: clinical testing. Allele origin: unknown. Affected: yes. Observed: 1 variant allele.
Comment: The classification of this deletion is uncertain, per ACMGG interpretation standards (see References). It affects protein-coding elements (Section 1, 0 points) but doesn’t overlap any confirmed dosage sensitive genes, though AKT3 is predicted to be haploinsufficient by four different models (pLI 1, LOEUF 0.18, sHet 0.274, %HI 2.70; section 2H, 0.15 points). Two protein-coding genes are affected by the deletion (Section 3, 0 points). A review of public databases (ClinVar, DECIPHER) and the medical literature shows several patients with deletions of the same region as seen in this patient or of AKT3 alone. Inheritance of the deletion was unknown (section 4E, 0.10 points). Inheritance of the deletion was unknown (section 4E, 0.10 points). There are four patients (PMID: 21800092 patient 10; PMID: 30853971 patient 2; DECIPHER patients 388840 and 350620) reported with microcephaly who have inherited the deletion from a parent who also has microcephaly (section 4F 0.15 points). Penetrance of microcephaly may be incomplete, however. The father had early hypotonia and needed extra support in elementary school, but had normal intelligence and general good health as an adult. This patient is not described as having microcephaly, but does have autistic behavior, distinctive facial features, myopia, constipation, recurrent infections, and renal cysts. The Database of Genomic Variants (DGV) includes two high-confidence exonic deletions of AKT3: nsv1002245 seen in 1 of 29,084 people and esv3578515 seen in 4 of 873 people. gnomAD contains no exonic deletions of AKT3. Parental testing has not been done in this case (Section 5, 0 points).

Literature cited by the submitters: PubMed 21800092; PubMed 25424989; PubMed 30853971; PubMed 21934713; PubMed 31929334; PubMed 22678713.